The following is an entry in ClinVar:

ClinVar aggregate classification (germline): Likely benign (1 of 4 stars; one submission).

Allele frequency attached by ClinVar (database versions not stated): gnomAD 0.00003; gnomAD exomes 0.00003; TOPMed 0.00003.
gnomAD v4.1: 33 of 1,210,786 alleles (0.0027%); highest among the groups gnomAD compares: Non-Finnish European, 0.0036%; no homozygotes.

Submission:

CeGaT Center for Human Genetics Tuebingen
Classification: Likely benign. Last evaluated: 2023-07-01. Review status: criteria provided, single submitter. Criteria: CeGaT Center For Human Genetics Tuebingen Variant Classification Criteria Version 2. Collection method: clinical testing. Allele origin: germline. Affected: yes. Observed: 1 variant allele.
Comment: NDUFA1: BP4, BP7

NM_004541.4(NDUFA1):c.84G>A (p.Arg28=)

Genes: NDUFA1 (NADH:ubiquinone oxidoreductase subunit A1; plus strand), LOC130068621 (ATAC-STARR-seq lymphoblastoid active region 29902; plus strand). Cytogenetic location: Xq24.
Variant type: single nucleotide variant.
Coding change: c.84G>A on transcript NM_004541.4 (MANE Select); coding-DNA position 84, G replaced by A.
Protein change: p.Arg28=; no amino-acid change (arginine 28 retained).
Molecular consequence: synonymous variant.
Genome position (GRCh38, 1-based): chrX:119,871,995, G>A. VCF-style: chrX-119871995-G-A. GRCh37 (hg19) VCF-style: chrX-119005958-G-A.
Identifiers: ClinVar variation 2661308 (VCV002661308.24), dbSNP rs1213640127, ClinGen allele CA518216970.